The following is an entry in ClinVar:

ClinVar aggregate classification (germline): Pathogenic (1 of 4 stars; one submission).

Conditions:
Cystinosis. Also called: Cystine diathesis; Cystine storage disease; Cystinoses. Identifiers: Orphanet 213, MedGen C4316899, MONDO:0016239.

Submission:

Myriad Genetics, Inc.
Classification: Pathogenic for Cystinosis. Last evaluated: 2025-11-19. Review status: criteria provided, single submitter. Criteria: Myriad Autosomal Dominant, Autosomal Recessive and X-Linked Classification Criteria (2023). Collection method: clinical testing. Allele origin: unknown.
Comment: NM_004937.2(CTNS):c.274delC(Q92Kfs*26) is expected to be pathogenic in the context of cystinosis. This variant is predicted to lead to an abnormal or absent protein product due to the creation of a premature termination codon in CTNS, a gene where loss-of-function variants are known to be pathogenic. Please note: this variant was assessed in the context of healthy population screening.

NM_004937.3(CTNS):c.274del (p.Gln92fs)

Genes: CTNS (cystinosin, lysosomal cystine transporter; plus strand), CTNS-AS1 (CTNS antisense RNA 1; minus strand). Cytogenetic location: 17p13.2.
Variant type: Deletion.
Coding change: c.274del on transcript NM_004937.3 (MANE Select); coding-DNA position 274, one base deleted (C; older notation c.274delC).
Protein change: p.Gln92fs; shifts the reading frame from glutamine 92.
Molecular consequence: frameshift variant. On other transcripts: 5 prime UTR variant (4).
Genome position (GRCh38, 1-based): chr17:3,655,046, C deleted. VCF-style (leftmost placement, unchanged base first): chr17-3655045-TC-T. GRCh37 (hg19) VCF-style: chr17-3558339-TC-T.
Other names: c.274del, p.Gln92fs (NM_001031681.3, NM_001374492.1); c.-168del (NM_001374493.1, NM_001374494.1, NM_001374495.1 and 1 more transcripts); short protein forms Q92fs.
Identifiers: ClinVar variation 5015234 (VCV005015234.1).